The following is an entry in ClinVar:

ClinVar aggregate classification (germline): Likely benign (0 of 4 stars; one submission).

Conditions:
ADAMTS3-related disorder. Also called: ADAMTS3-related condition.

Allele frequency attached by ClinVar (database versions not stated): ExAC 0.00008; gnomAD 0.00010; TOPMed 0.00010; 1000 Genomes Project 0.00020; 1000 Genomes Project 30x 0.00031.
gnomAD v4.1: 110 of 1,613,486 alleles (0.0068%); highest among the groups gnomAD compares: Admixed American, 0.062%; no homozygotes.

Submission:

PreventionGenetics, part of Exact Sciences
Classification: Likely benign for ADAMTS3-related condition. Last evaluated: 2020-11-18. Review status: no assertion criteria provided. Collection method: clinical testing. Allele origin: germline.
Comment: This variant is classified as likely benign based on ACMG/AMP sequence variant interpretation guidelines (Richards et al. 2015 PMID: 25741868, with internal and published modifications).

NM_014243.3(ADAMTS3):c.2391C>T (p.Thr797=)

Gene: ADAMTS3 (ADAM metallopeptidase with thrombospondin type 1 motif 3; minus strand). Cytogenetic location: 4q13.3.
Variant type: single nucleotide variant.
Coding change: c.2391C>T on transcript NM_014243.3 (MANE Select); coding-DNA position 2391, C replaced by T.
Protein change: p.Thr797=; no amino-acid change (threonine 797 retained).
Molecular consequence: synonymous variant.
Genome position (GRCh38, 1-based): chr4:72,303,950, G>A on the plus strand (C>T on the coding strand, the complement: ADAMTS3 is on the minus strand). VCF-style: chr4-72303950-G-A. GRCh37 (hg19) VCF-style: chr4-73169667-G-A.
Identifiers: ClinVar variation 3031719 (VCV003031719.2), dbSNP rs188872063, ClinGen allele CA2956648.